The following is an entry in ClinVar:

NM_017659.4(QPCTL):c.1032G>A (p.Thr344=)

Gene: QPCTL (glutaminyl-peptide cyclotransferase like; plus strand). Cytogenetic location: 19q13.32.
Variant type: single nucleotide variant.
Coding change: c.1032G>A on transcript NM_017659.4 (MANE Select); coding-DNA position 1032, G replaced by A.
Protein change: p.Thr344=; no amino-acid change (threonine 344 retained).
Molecular consequence: synonymous variant.
Genome position (GRCh38, 1-based): chr19:45,702,932, G>A. VCF-style: chr19-45702932-G-A. GRCh37 (hg19) VCF-style: chr19-46206190-G-A.
Other names: c.750G>A, p.Thr250= (NM_001163377.2).
Identifiers: ClinVar variation 2650121 (VCV002650121.24), dbSNP rs138046208, ClinGen allele CA9519812.
Genomic context (GRCh38, chr19:45,702,932, plus strand): 5'-TGGACCTGACAAAGTCTCCTCTGTCACTTCAGGGGTACCCGTGCTCCATCTCATCTCCAC[G>A]CCCTTCCCTGCTGTCTGGCACACCCCTGCGGACACCGAGGTCAATCTCCACCCACCCACG-3'
Protein context (NP_060129.2, residues 334-354): RGVPVLHLIS[Thr344=]PFPAVWHTPA

ClinVar aggregate classification (germline): Likely benign (1 of 4 stars; one submission).

Allele frequency attached by ClinVar (database versions not stated): TOPMed 0.00026; ESP Exome Variant Server 0.00031; gnomAD 0.00043; gnomAD exomes 0.00070; ExAC 0.00111; 1000 Genomes Project 0.00160; 1000 Genomes Project 30x 0.00172.

Submission:

CeGaT Center for Human Genetics Tuebingen
Classification: Likely benign. Last evaluated: 2022-06-01. Review status: criteria provided, single submitter. Criteria: CeGaT Center For Human Genetics Tuebingen Variant Classification Criteria Version 2. Collection method: clinical testing. Allele origin: germline. Affected: yes. Observed: 1 variant allele.
Comment: QPCTL: BP4, BP7